The following is an entry in ClinVar:

NM_000535.7(PMS2):c.2526C>T (p.Asn842=)

Gene: PMS2 (PMS1 homolog 2, mismatch repair system component; minus strand). Cytogenetic location: 7p22.1.
Variant type: single nucleotide variant.
Coding change: c.2526C>T on transcript NM_000535.7 (MANE Select); coding-DNA position 2526, C replaced by T.
Protein change: p.Asn842=; no amino-acid change (asparagine 842 retained).
Molecular consequence: synonymous variant. On other transcripts: non-coding transcript variant (1).
Genome position (GRCh38, 1-based): chr7:5,973,462, G>A on the plus strand (C>T on the coding strand, the complement: PMS2 is on the minus strand). VCF-style: chr7-5973462-G-A. GRCh37 (hg19) VCF-style: chr7-6013093-G-A.
Other names: c.2121C>T, p.Asn707= (NM_001322003.2, NM_001322004.2, NM_001322005.2 and 11 more transcripts); c.2370C>T, p.Asn790= (NM_001322006.2); c.2208C>T, p.Asn736= (NM_001322007.2, NM_001322008.2, NM_001406883.1); c.2154C>T, p.Asn718= (NM_001322009.2, NM_001406887.1, NM_001406888.1); c.1965C>T, p.Asn655= (NM_001322010.2, NM_001406906.1, NM_001406907.1); c.1593C>T, p.Asn531= (NM_001322011.2, NM_001322012.2); c.1953C>T, p.Asn651= (NM_001322013.2, NM_001406908.1, NM_001406909.1); c.2559C>T, p.Asn853= (NM_001322014.2); and 20 more.
Identifiers: ClinVar variation 3903584 (VCV003903584.1).

ClinVar aggregate classification (germline): Benign (1 of 4 stars; one submission).

Conditions:
Lynch syndrome 4 (LYNCH4). Also called: Colorectal cancer, hereditary nonpolyposis, type 4; Hereditary non-polyposis colorectal cancer, type 4. Identifiers: Orphanet 144, MedGen C1838333, MONDO:0013699, OMIM 614337. Disease mechanism: loss of function.

Submission:

Myriad Genetics, Inc.
Classification: Benign for Lynch syndrome 4. Last evaluated: 2025-02-04. Review status: criteria provided, single submitter. Criteria: Myriad Autosomal Dominant, Autosomal Recessive and X-Linked Classification Criteria (2023). Collection method: clinical testing. Allele origin: unknown.
Comment: This variant is considered benign. This variant is a silent/synonymous amino acid change and it is not expected to impact splicing.